The following is an entry in ClinVar:

NM_006978.3(RNF113A):c.285T>A (p.Ser95Arg)

Gene: RNF113A (ring finger protein 113A; minus strand). Cytogenetic location: Xq24.
Variant type: single nucleotide variant.
Coding change: c.285T>A on transcript NM_006978.3 (MANE Select); coding-DNA position 285, T replaced by A.
Protein change: p.Ser95Arg; replaces serine 95 with arginine.
Molecular consequence: missense variant.
Genome position (GRCh38, 1-based): chrX:119,871,329, A>T on the plus strand (T>A on the coding strand, the complement: RNF113A is on the minus strand). VCF-style: chrX-119871329-A-T. GRCh37 (hg19) VCF-style: chrX-119005292-A-T.
Other names: c.285T>A (NM_006978.2); short protein forms S95R.
Identifiers: ClinVar variation 1663687 (VCV001663687.11), dbSNP rs142377248, ClinGen allele CA10503479.

ClinVar aggregate classification (germline): Likely benign. Review status: criteria provided, multiple submitters, no conflicts (2 of 4 stars). 3 submissions from 3 submitters: Likely benign (2). 1 of the submissions does not count toward it. Last evaluated 2025-12-31.

Conditions:
RNF113A-related disorder. Also called: RNF113A-related condition.

Allele frequency attached by ClinVar (database versions not stated): ExAC 0.00023; gnomAD exomes 0.00032 and 0.00059; TOPMed 0.00043; gnomAD 0.00044 and 0.00045; ESP Exome Variant Server 0.00047.
gnomAD v4.1: 691 of 1,208,176 alleles (0.057%); highest among the groups gnomAD compares: Non-Finnish European, 0.073%; 1 homozygote.

Submissions (3):

Labcorp Genetics (formerly Invitae), Labcorp
Classification: Likely benign. Last evaluated: 2025-12-31. Review status: criteria provided, single submitter. Criteria: Invitae Variant Classification Sherloc (09022015). Collection method: clinical testing. Allele origin: germline.

Breakthrough Genomics
Classification: Likely benign. Review status: criteria provided, single submitter. Criteria: ACMG Guidelines, 2015. Collection method: not provided. Allele origin: germline. Inheritance: X-linked inheritance. Affected: yes.

PreventionGenetics, part of Exact Sciences
Classification: Likely benign for RNF113A-related condition. Last evaluated: 2023-12-12. Review status: no assertion criteria provided. Collection method: clinical testing. Allele origin: germline. Not counted in ClinVar's aggregate classification.
Comment: This variant is classified as likely benign based on ACMG/AMP sequence variant interpretation guidelines (Richards et al. 2015 PMID: 25741868, with internal and published modifications).